The following is an entry in ClinVar:

NM_012418.4(FSCN2):c.1106-57C>T

Gene: FSCN2 (fascin actin-bundling protein 2, retinal; plus strand). Cytogenetic location: 17q25.3.
Variant type: single nucleotide variant.
Coding change: c.1106-57C>T on transcript NM_012418.4 (MANE Select); 57 bases into the intron before coding-DNA position 1106, C replaced by T.
Molecular consequence: intron variant. On other transcripts: missense variant (1).
Genome position (GRCh38, 1-based): chr17:81,536,565, C>T. VCF-style: chr17-81536565-C-T. GRCh37 (hg19) VCF-style: chr17-79503591-C-T.
Other names: c.1121C>T, p.Pro374Leu (NM_001077182.3); short protein forms P374L.
Identifiers: ClinVar variation 1386256 (VCV001386256.6), dbSNP rs769902092, ClinGen allele CA401477304.
Genomic context (GRCh38, chr17:81,536,565, plus strand): 5'-CAATGGCAGGCCTGGGTCCCTAAGTCCAGGTGTGGCGTTTCCCAGGGCCCCCACCCCGCC[C>T]GGCCTGGACAGGGAAGGTGGCGGGAGGGGCAGCGCAGCAGACGCTCTCCCCGCCAGGCAA-3'

ClinVar aggregate classification (germline): Uncertain significance (1 of 4 stars; one submission).

gnomAD v4.1: 8 of 1,596,924 alleles (0.0005%); highest among the groups gnomAD compares: Admixed American, 0.0034%; no homozygotes.

Submission:

Labcorp Genetics (formerly Invitae), Labcorp
Classification: Uncertain significance. Last evaluated: 2025-04-07. Review status: criteria provided, single submitter. Criteria: Invitae Variant Classification Sherloc (09022015). Collection method: clinical testing. Allele origin: germline.
Comment: This sequence change replaces proline, which is neutral and non-polar, with leucine, which is neutral and non-polar, at codon 374 of the FSCN2 protein (p.Pro374Leu). The frequency data for this variant in the population databases is considered unreliable, as metrics indicate poor data quality at this position in the gnomAD database. This variant has not been reported in the literature in individuals affected with FSCN2-related conditions. ClinVar contains an entry for this variant (Variation ID: 1386256). An algorithm developed to predict the effect of missense changes on protein structure and function outputs the following: PolyPhen-2: "Benign". The leucine amino acid residue is found in multiple mammalian species, which suggests that this missense change does not adversely affect protein function. In summary, the available evidence is currently insufficient to determine the role of this variant in disease. Therefore, it has been classified as a Variant of Uncertain Significance.